The following is an entry in ClinVar:

NM_000400.4(ERCC2):c.1667G>C (p.Gly556Ala)

Gene: ERCC2 (ERCC excision repair 2, TFIIH core complex helicase subunit; minus strand). Cytogenetic location: 19q13.32.
Variant type: single nucleotide variant.
Coding change: c.1667G>C on transcript NM_000400.4 (MANE Select); coding-DNA position 1667, G replaced by C.
Protein change: p.Gly556Ala; replaces glycine 556 with alanine.
Molecular consequence: missense variant.
Genome position (GRCh38, 1-based): chr19:45,353,333, C>G on the plus strand (G>C on the coding strand, the complement: ERCC2 is on the minus strand). VCF-style: chr19-45353333-C-G. GRCh37 (hg19) VCF-style: chr19-45856591-C-G.
Other names: short protein forms G556A.
Identifiers: ClinVar variation 2479662 (VCV002479662.2), dbSNP rs2514002956, ClinGen allele CA406364548.

ClinVar aggregate classification (germline): Uncertain significance (1 of 4 stars; one submission).

Conditions:
Inborn genetic diseases. Identifiers: MedGen C0950123, MeSH D030342.

Allele frequency attached by ClinVar (database versions not stated): gnomAD exomes below 0.00001.
gnomAD v4.1: 2 of 1,613,188 alleles (0.00012%); highest among the groups gnomAD compares: Non-Finnish European, 0.00017%; no homozygotes.

Submission:

Ambry Genetics
Classification: Uncertain significance for Inborn genetic diseases. Last evaluated: 2023-02-09. Review status: criteria provided, single submitter. Criteria: Ambry Variant Classification Scheme 2023. Collection method: clinical testing. Allele origin: germline.
Comment: The p.G556A variant (also known as c.1667G>C), located in coding exon 18 of the ERCC2 gene, results from a G to C substitution at nucleotide position 1667. The glycine at codon 556 is replaced by alanine, an amino acid with similar properties. This amino acid position is conserved. In addition, this alteration is predicted to be deleterious by in silico analysis. Since supporting evidence is limited at this time, the clinical significance of this alteration remains unclear.